The following is an entry in ClinVar:

NM_024301.5(FKRP):c.281C>G (p.Pro94Arg)

Gene: FKRP (fukutin related protein; plus strand). Cytogenetic location: 19q13.32.
Variant type: single nucleotide variant.
Coding change: c.281C>G on transcript NM_024301.5 (MANE Select); coding-DNA position 281, C replaced by G.
Protein change: p.Pro94Arg; replaces proline 94 with arginine.
Molecular consequence: missense variant.
Genome position (GRCh38, 1-based): chr19:46,755,731, C>G. VCF-style: chr19-46755731-C-G. GRCh37 (hg19) VCF-style: chr19-47258988-C-G.
Other names: c.281C>G, p.Pro94Arg (NM_001039885.3); short protein forms P94R.
Identifiers: ClinVar variation 4693724 (VCV004693724.1).

ClinVar aggregate classification (germline): Uncertain significance (1 of 4 stars; one submission).

Conditions:
Walker-Warburg congenital muscular dystrophy. Also called: Muscular dystrophy-dystroglycanopathy, type A; Walker-Warburg syndrome. Identifiers: Orphanet 899, MedGen C0265221, MONDO:0000171.

gnomAD v4.1: 4 of 1,570,186 alleles (0.00025%); highest among the groups gnomAD compares: Non-Finnish European, 0.00026%; no homozygotes.

Submission:

Labcorp Genetics (formerly Invitae), Labcorp
Classification: Uncertain significance for Walker-Warburg congenital muscular dystrophy. Last evaluated: 2025-08-16. Review status: criteria provided, single submitter. Criteria: Invitae Variant Classification Sherloc (09022015). Collection method: clinical testing. Allele origin: germline.
Comment: This sequence change replaces proline, which is neutral and non-polar, with arginine, which is basic and polar, at codon 94 of the FKRP protein (p.Pro94Arg). This variant is not present in population databases (gnomAD no frequency). This variant has not been reported in the literature in individuals affected with FKRP-related conditions. Invitae Evidence Modeling of protein sequence and biophysical properties (such as structural, functional, and spatial information, amino acid conservation, physicochemical variation, residue mobility, and thermodynamic stability) indicates that this missense variant is expected to disrupt FKRP protein function with a positive predictive value of 95%. In summary, the available evidence is currently insufficient to determine the role of this variant in disease. Therefore, it has been classified as a Variant of Uncertain Significance.